The following is an entry in ClinVar:

ClinVar aggregate classification (germline): Likely benign. Review status: criteria provided, single submitter (1 of 4 stars). 2 submissions from 2 submitters: Likely benign (1). 1 of the submissions does not count toward it. Last evaluated 2026-01-26.

Conditions:
DSCAML1-related disorder. Also called: DSCAML1-related condition.

Allele frequency attached by ClinVar (database versions not stated): gnomAD exomes 0.00008 and 0.00017; TOPMed 0.00055; gnomAD 0.00056 and 0.00057; ExAC 0.00057; 1000 Genomes Project 0.00080; 1000 Genomes Project 30x 0.00125.
gnomAD v4.1: 197 of 1,409,500 alleles (0.014%); highest among the groups gnomAD compares: African/African-American, 0.18%; 1 homozygote.

Submissions (2):

Labcorp Genetics (formerly Invitae), Labcorp
Classification: Likely benign. Last evaluated: 2026-01-26. Review status: criteria provided, single submitter. Criteria: Invitae Variant Classification Sherloc (09022015). Collection method: clinical testing. Allele origin: germline.

PreventionGenetics, part of Exact Sciences
Classification: Likely benign for DSCAML1-related condition. Last evaluated: 2021-01-12. Review status: no assertion criteria provided. Collection method: clinical testing. Allele origin: germline. Not counted in ClinVar's aggregate classification.
Comment: This variant is classified as likely benign based on ACMG/AMP sequence variant interpretation guidelines (Richards et al. 2015 PMID: 25741868, with internal and published modifications).

NM_020693.4(DSCAML1):c.5940A>G (p.Pro1980=)

Gene: DSCAML1 (DS cell adhesion molecule like 1; minus strand). Cytogenetic location: 11q23.3.
Variant type: single nucleotide variant.
Coding change: c.5940A>G on transcript NM_020693.4 (MANE Select); coding-DNA position 5940, A replaced by G.
Protein change: p.Pro1980=; no amino-acid change (proline 1980 retained).
Molecular consequence: synonymous variant.
Genome position (GRCh38, 1-based): chr11:117,428,550, T>C on the plus strand (A>G on the coding strand, the complement: DSCAML1 is on the minus strand). VCF-style: chr11-117428550-T-C. GRCh37 (hg19) VCF-style: chr11-117299266-T-C.
Other names: c.6120A>G (NM_020693.3).
Identifiers: ClinVar variation 1591799 (VCV001591799.10), dbSNP rs572391937, ClinGen allele CA6295919.
Genomic context (GRCh38, chr11:117,428,550, plus strand): 5'-GCTGGGGGCGGTGGGTGGCTCAGCAGGGGTGGGGCCGGGGGCTGGGGGGGCTGTGCCGGC[T>C]GGGGGGGCTGGCATGGCCAGAGTCCTCTGAGGTAAGGTGGCTGTGGAGGCGGCAGCGGGG-3'
Protein context (NP_065744.3, residues 1970-1990): PQRTLAMPAP[Pro1980=]AGTAPPAPGP